The following is an entry in ClinVar:

ClinVar aggregate classification (germline): Uncertain significance (1 of 4 stars; one submission).

Conditions:
Joubert syndrome. Also called: CEREBELLOPARENCHYMAL DISORDER IV; JOUBERT-BOLTSHAUSER SYNDROME; Familial aplasia of the vermis. Identifiers: Orphanet 475, MedGen C5979921, MONDO:0018772.
Orofaciodigital syndrome I (OFD1). Also called: OFDS I; Papillon-Leage and Psaume Syndrome; Oral-Facial-Digital Syndrome Type I. Identifiers: Orphanet 2750, MedGen C1510460, MONDO:0010702, OMIM 311200.

gnomAD v4.1: 10 of 1,202,008 alleles (0.00083%); highest among the groups gnomAD compares: Admixed American, 0.0043%; no homozygotes.

Submission:

Labcorp Genetics (formerly Invitae), Labcorp
Classification: Uncertain significance for Orofaciodigital syndrome I; Joubert syndrome. Last evaluated: 2022-11-08. Review status: criteria provided, single submitter. Criteria: Invitae Variant Classification Sherloc (09022015). Collection method: clinical testing. Allele origin: germline.
Comment: In summary, the available evidence is currently insufficient to determine the role of this variant in disease. Therefore, it has been classified as a Variant of Uncertain Significance. Advanced modeling of protein sequence and biophysical properties (such as structural, functional, and spatial information, amino acid conservation, physicochemical variation, residue mobility, and thermodynamic stability) performed at Invitae indicates that this missense variant is expected to disrupt OFD1 protein function. ClinVar contains an entry for this variant (Variation ID: 1391716). This variant has not been reported in the literature in individuals affected with OFD1-related conditions. This variant is present in population databases (no rsID available, gnomAD 0.004%). This sequence change replaces aspartic acid, which is acidic and polar, with glycine, which is neutral and non-polar, at codon 541 of the OFD1 protein (p.Asp541Gly).

NM_003611.3(OFD1):c.1622A>G (p.Asp541Gly)

Gene: OFD1 (OFD1 centriole and centriolar satellite protein; plus strand). Cytogenetic location: Xp22.2.
Variant type: single nucleotide variant.
Coding change: c.1622A>G on transcript NM_003611.3 (MANE Select); coding-DNA position 1622, A replaced by G.
Protein change: p.Asp541Gly; replaces aspartic acid 541 with glycine.
Molecular consequence: missense variant.
Genome position (GRCh38, 1-based): chrX:13,758,416, A>G. VCF-style: chrX-13758416-A-G. GRCh37 (hg19) VCF-style: chrX-13776535-A-G.
Other names: c.1502A>G, p.Asp501Gly (NM_001330209.2); c.1202A>G, p.Asp401Gly (NM_001330210.2); short protein forms D541G, D401G, D501G.
Identifiers: ClinVar variation 1391716 (VCV001391716.6), dbSNP rs369907952, ClinGen allele CA412343442.